The following is an entry in ClinVar:

ClinVar aggregate classification (germline): Likely benign. Review status: criteria provided, multiple submitters, no conflicts (2 of 4 stars). 3 submissions from 3 submitters: Likely benign (3). Last evaluated 2026-07-01.

Conditions:
Muscular dystrophy-dystroglycanopathy (congenital with brain and eye anomalies), type a, 8 (MDDGA8). Also called: WALKER-WARBURG SYNDROME OR MUSCLE-EYE-BRAIN DISEASE, GTDC2-RELATED. Identifiers: Orphanet 899, MedGen C3553813, MONDO:0013904, OMIM 614830.

Allele frequency attached by ClinVar (database versions not stated): ExAC 0.00002; TOPMed 0.00003; gnomAD 0.00004; gnomAD exomes 0.00004 and 0.00010; ESP Exome Variant Server 0.00008.
gnomAD v4.1: 154 of 1,613,994 alleles (0.0095%); highest among the groups gnomAD compares: Non-Finnish European, 0.012%; no homozygotes.

Submissions (3):

CeGaT Center for Human Genetics Tuebingen
Classification: Likely benign. Last evaluated: 2026-07-01. Review status: criteria provided, single submitter. Criteria: CeGaT Center For Human Genetics Tuebingen Variant Classification Criteria Version 2. Collection method: clinical testing. Allele origin: germline. Affected: yes. Observed: 1 variant allele.
Comment: POMGNT2: BP4, BP7

Labcorp Genetics (formerly Invitae), Labcorp
Classification: Likely benign for Muscular dystrophy-dystroglycanopathy (congenital with brain and eye anomalies), type a, 8. Last evaluated: 2025-07-02. Review status: criteria provided, single submitter. Criteria: Invitae Variant Classification Sherloc (09022015). Collection method: clinical testing. Allele origin: germline.

Blueprint Genetics
Classification: Likely benign. Last evaluated: 2024-10-28. Review status: criteria provided, single submitter. Criteria: ACMG Guidelines, 2015. Collection method: clinical testing. Allele origin: germline.

NM_032806.6(POMGNT2):c.510C>T (p.Asp170=)

Gene: POMGNT2 (protein O-linked mannose N-acetylglucosaminyltransferase 2 (beta 1,4-); minus strand). Cytogenetic location: 3p22.1.
Variant type: single nucleotide variant.
Coding change: c.510C>T on transcript NM_032806.6 (MANE Select); coding-DNA position 510, C replaced by T.
Protein change: p.Asp170=; no amino-acid change (aspartic acid 170 retained).
Molecular consequence: synonymous variant.
Genome position (GRCh38, 1-based): chr3:43,080,922, G>A on the plus strand (C>T on the coding strand, the complement: POMGNT2 is on the minus strand). VCF-style: chr3-43080922-G-A. GRCh37 (hg19) VCF-style: chr3-43122414-G-A.
Identifiers: ClinVar variation 772513 (VCV000772513.11), dbSNP rs148958732, ClinGen allele CA2340053.
Genomic context (GRCh38, chr3:43,080,922, plus strand): 5'-CCGTGCCTCGTGGGCCAGGCCGGGAAACTGCCGCAGGGTGTAGAAGAGTGGCAGCAGGTC[G>A]TCATGAAAGACGTGCATGAGGTTGTCGGGGTTGAAGCGGTTGGCGATGAGGGCCACGTCT-3'
Protein context (NP_116195.2, residues 160-180): NPDNLMHVFH[Asp170=]DLLPLFYTLR